The following is an entry in ClinVar:

NM_032043.3(BRIP1):c.747del (p.Thr250fs)

Gene: BRIP1 (BRCA1 interacting DNA helicase 1; minus strand). Cytogenetic location: 17q23.2.
Variant type: Deletion.
Coding change: c.747del on transcript NM_032043.3 (MANE Select); coding-DNA position 747, one base deleted (G; older notation c.747delG).
Protein change: p.Thr250fs; shifts the reading frame from threonine 250.
Molecular consequence: frameshift variant.
Genome position (GRCh38, 1-based): chr17:61,808,638, C deleted on the plus strand (G on the coding strand, the reverse complement: BRIP1 is on the minus strand); the first of 3 consecutive C bases (chr17:61,808,638-61,808,640); deleting any one gives the same sequence. VCF-style (leftmost placement, unchanged base first): chr17-61808637-TC-T. GRCh37 (hg19) VCF-style: chr17-59885998-TC-T.
Other names: c.747delG (NM_032043.2); short protein forms T250fs.
Identifiers: ClinVar variation 584466 (VCV000584466.2), dbSNP rs1567838174, ClinGen allele CA891843526.

ClinVar aggregate classification (germline): Pathogenic (1 of 4 stars; one submission).

Conditions:
Hereditary cancer-predisposing syndrome. Also called: Neoplastic Syndromes, Hereditary; Hereditary Cancer Syndrome; Tumor predisposition; Hereditary neoplastic syndrome. Identifiers: Orphanet 140162, MedGen C0027672, MeSH D009386, MONDO:0015356.

Submission:

GeneKor MSA
Classification: Pathogenic for Hereditary cancer-predisposing syndrome. Last evaluated: 2020-01-01. Review status: criteria provided, single submitter. Criteria: ACMG Guidelines, 2015. Collection method: clinical testing. Allele origin: germline. Affected: yes.
Comment: This variant is a single base pair deletion from exon 7 of the BRIP1 mRNA, causing a frameshift after codon 250 and this creates a premature translational stop signal 24 amino acid residues later. This is expected to result in an absent or disrupted protein product. Truncating variants in BRIP1 are known to be pathogenic (PMID: 16116423, 17033622, 21964575) This variant has been described in the international literature in an individual undergoing panel testing for hereditary syndrome (PMID: 31159747).